The following is an entry in ClinVar:

NM_000067.3(CA2):c.484G>A (p.Val162Met)

Gene: CA2 (carbonic anhydrase 2; plus strand). Cytogenetic location: 8q21.2.
Variant type: single nucleotide variant.
Coding change: c.484G>A on transcript NM_000067.3 (MANE Select); coding-DNA position 484, G replaced by A.
Protein change: p.Val162Met; replaces valine 162 with methionine.
Molecular consequence: missense variant.
Genome position (GRCh38, 1-based): chr8:85,475,837, G>A. VCF-style: chr8-85475837-G-A. GRCh37 (hg19) VCF-style: chr8-86388066-G-A.
Other names: c.181G>A, p.Val61Met (NM_001293675.2); c.484G>A (NM_000067.2); short protein forms V162M, V61M.
Identifiers: ClinVar variation 2414769 (VCV002414769.8), dbSNP rs368091458, ClinGen allele CA180255721.

ClinVar aggregate classification (germline): Uncertain significance. Review status: criteria provided, multiple submitters, no conflicts (2 of 4 stars). 3 submissions from 3 submitters: Uncertain significance (3). Last evaluated 2024-12-14.

Conditions:
Osteopetrosis with renal tubular acidosis (OPTB3). Also called: Autosomal recessive osteopetrosis 3. Identifiers: Orphanet 2785, MedGen C0345407, MONDO:0009818, OMIM 259730.
Inborn genetic diseases. Identifiers: MedGen C0950123, MeSH D030342.

Allele frequency attached by ClinVar (database versions not stated): TOPMed below 0.00001; gnomAD 0.00002; ESP Exome Variant Server 0.00008.
gnomAD v4.1: 17 of 1,613,928 alleles (0.0011%); highest among the groups gnomAD compares: East Asian, 0.011%; no homozygotes.

Submissions (3):

Ambry Genetics
Classification: Uncertain significance for Inborn genetic diseases. Last evaluated: 2024-12-14. Review status: criteria provided, single submitter. Criteria: Ambry Variant Classification Scheme 2023. Collection method: clinical testing. Allele origin: germline.

Fulgent Genetics
Classification: Uncertain significance for Osteopetrosis with renal tubular acidosis. Last evaluated: 2024-06-08. Review status: criteria provided, single submitter. Criteria: ACMG Guidelines, 2015. Collection method: clinical testing. Allele origin: germline.

Labcorp Genetics (formerly Invitae), Labcorp
Classification: Uncertain significance. Last evaluated: 2021-12-28. Review status: criteria provided, single submitter. Criteria: Invitae Variant Classification Sherloc (09022015). Collection method: clinical testing. Allele origin: germline.
Comment: This sequence change replaces valine, which is neutral and non-polar, with methionine, which is neutral and non-polar, at codon 162 of the CA2 protein (p.Val162Met). This variant is present in population databases (rs368091458, gnomAD 0.0009%). This variant has not been reported in the literature in individuals affected with CA2-related conditions. Algorithms developed to predict the effect of missense changes on protein structure and function output the following: SIFT: "Tolerated"; PolyPhen-2: "Benign"; Align-GVGD: "Class C0". The methionine amino acid residue is found in multiple mammalian species, which suggests that this missense change does not adversely affect protein function. In summary, the available evidence is currently insufficient to determine the role of this variant in disease. Therefore, it has been classified as a Variant of Uncertain Significance.